The following is an entry in ClinVar:

ClinVar aggregate classification (germline): Pathogenic (1 of 4 stars; one submission).

Conditions:
Infantile-onset ascending hereditary spastic paralysis (IAHSP). Also called: Infantile-Onset Ascending Hereditary Spastic Paralysis (IAHSP); Autosomal Recessive Juvenile Amyotrophic Lateral Sclerosis. Identifiers: Orphanet 293168, MedGen C2931441, MONDO:0011797, OMIM 607225. Disease mechanism: loss of function.

Submission:

Labcorp Genetics (formerly Invitae), Labcorp
Classification: Pathogenic for Infantile-onset ascending hereditary spastic paralysis. Last evaluated: 2021-02-20. Review status: criteria provided, single submitter. Criteria: Invitae Variant Classification Sherloc (09022015). Collection method: clinical testing. Allele origin: germline.
Comment: For these reasons, this variant has been classified as Pathogenic. This variant has not been reported in the literature in individuals with ALS2-related conditions. This variant is a gross deletion of the genomic region encompassing exon(s) 21-23 of the ALS2 gene. This deletion is out-of-frame, and is expected to create a premature translational stop signal and result in an absent or disrupted protein product. Loss-of-function variants in ALS2 are known to be pathogenic (PMID: 11586298, 24315819).

Literature cited by the submitters: PubMed 11586298; PubMed 24315819.

NC_000002.11:g.(?_202587756)_(202589192_?)del

Gene: ALS2 (alsin Rho guanine nucleotide exchange factor ALS2; minus strand). Cytogenetic location: 2q33.1.
Variant type: Deletion.
Identifiers: ClinVar variation 1460001 (VCV001460001.6).